The following is an entry in ClinVar:

NM_000038.6(APC):c.3306C>A (p.Tyr1102Ter)

Gene: APC (APC regulator of Wnt signaling pathway; plus strand). Cytogenetic location: 5q22.2.
Variant type: single nucleotide variant.
Coding change: c.3306C>A on transcript NM_000038.6 (MANE Select); coding-DNA position 3306, C replaced by A.
Protein change: p.Tyr1102Ter; replaces tyrosine 1102 with a stop codon.
Molecular consequence: nonsense.
Genome position (GRCh38, 1-based): chr5:112,838,900, C>A. VCF-style: chr5-112838900-C-A. GRCh37 (hg19) VCF-style: chr5-112174597-C-A.
Other names: c.2457C>A, p.Tyr819Ter (NM_001354906.2); c.3306C>A, p.Tyr1102Ter (NM_001127510.3, NM_001354895.2); c.3252C>A, p.Tyr1084Ter (NM_001127511.3); c.3360C>A, p.Tyr1120Ter (NM_001354896.2); c.3336C>A, p.Tyr1112Ter (NM_001354897.2); c.3231C>A, p.Tyr1077Ter (NM_001354898.2); c.3222C>A, p.Tyr1074Ter (NM_001354899.2); c.3183C>A, p.Tyr1061Ter (NM_001354900.2); and 5 more; short protein forms Y1084*, Y1102*, Y819*, Y942*, Y1001*, Y1011*, Y1074*, Y1077*.
Identifiers: ClinVar variation 246089 (VCV000246089.3), dbSNP rs879254092, ClinGen allele CA10584247.
Genomic context (GRCh38, chr5:112,838,900, plus strand): 5'-TGATGATAAACACCTCAAGTTCCAACCACATTTTGGACAGCAGGAATGTGTTTCTCCATA[C>A]AGGTCACGGGGAGCCAATGGTTCAGAAACAAATCGAGTGGGTTCTAATCATGGAATTAAT-3'

ClinVar aggregate classification (germline): Pathogenic. Review status: criteria provided, multiple submitters, no conflicts (2 of 4 stars). 2 submissions from 2 submitters: Pathogenic (2). Last evaluated 2023-05-08.

Conditions:
Familial adenomatous polyposis 1 (FAP1). Also called: FAMILIAL ADENOMATOUS POLYPOSIS 1, ATTENUATED; POLYPOSIS, ADENOMATOUS INTESTINAL. Identifiers: MedGen C2713442, MONDO:0021056, OMIM 175100. Disease mechanism: loss of function.

Submissions (2):

Myriad Genetics, Inc.
Classification: Pathogenic for Familial adenomatous polyposis 1. Last evaluated: 2023-05-08. Review status: criteria provided, single submitter. Criteria: Myriad Autosomal Dominant, Autosomal Recessive and X-Linked Classification Criteria (2023). Collection method: clinical testing. Allele origin: unknown.
Comment: This variant is considered pathogenic. This variant creates a termination codon and is predicted to result in premature protein truncation.

GeneDx
Classification: Pathogenic. Last evaluated: 2016-01-13. Review status: criteria provided, single submitter. Criteria: GeneDx Variant Classification (06012015). Collection method: clinical testing. Allele origin: germline. Affected: yes.
Comment: This variant is denoted APC c.3306C>A at the cDNA level and p.Tyr1102Ter (Y1102X) at the protein level. The substitution creates a nonsense variant, which changes a Tyrosine to a premature stop codon (TAC>TAA), and is predicted to cause loss of normal protein function through protein truncation. Even though this frameshift occurs near the end of the gene in the last exon, and nonsense-mediated decay is not expected to occur, it is significant since the last 1741 amino acids are no longer translated. This variant has been reported in several individuals and families with Familial Adenomatous Polyposis (Miyaki 2008, Filipe 2009, Lagarde 2010) and is considered pathogenic.